The following is an entry in ClinVar:

NM_001065.4(TNFRSF1A):c.305G>T (p.Cys102Phe)

Gene: TNFRSF1A (TNF receptor superfamily member 1A; minus strand). Cytogenetic location: 12p13.31.
Variant type: single nucleotide variant.
Coding change: c.305G>T on transcript NM_001065.4 (MANE Select); coding-DNA position 305, G replaced by T.
Protein change: p.Cys102Phe; replaces cysteine 102 with phenylalanine.
Molecular consequence: missense variant. On other transcripts: 5 prime UTR variant (2), non-coding transcript variant (1).
Genome position (GRCh38, 1-based): chr12:6,333,754, C>A on the plus strand (G>T on the coding strand, the complement: TNFRSF1A is on the minus strand). VCF-style: chr12-6333754-C-A. GRCh37 (hg19) VCF-style: chr12-6442920-C-A.
Other names: c.-20G>T (NM_001346091.2); c.-273G>T (NM_001346092.2); short protein forms C102F.
Identifiers: ClinVar variation 1469585 (VCV001469585.8), dbSNP rs1555108112, ClinGen allele CA383550413.

ClinVar aggregate classification (germline): Likely pathogenic (1 of 4 stars; one submission).

Conditions:
TNF receptor-associated periodic fever syndrome (TRAPS) (FPF). Also called: Autosomal Dominant Familial Periodic Fever; FAMILIAL HIBERNIAN FEVER; TNF RECEPTOR-ASSOCIATED PERIODIC SYNDROME; TUMOR NECROSIS FACTOR RECEPTOR-ASSOCIATED PERIODIC SYNDROME; TNF Receptor-Associated Periodic Fever Syndrome; TNF receptor 1-associated periodic fever syndrome. Identifiers: Orphanet 32960, MedGen C1275126, MONDO:0007727, OMIM 142680.

Submission:

Labcorp Genetics (formerly Invitae), Labcorp
Classification: Likely pathogenic for TNF receptor-associated periodic fever syndrome (TRAPS). Last evaluated: 2021-02-13. Review status: criteria provided, single submitter. Criteria: Invitae Variant Classification Sherloc (09022015). Collection method: clinical testing. Allele origin: germline.
Comment: In summary, the currently available evidence indicates that the variant is pathogenic, but additional data are needed to prove that conclusively. Therefore, this variant has been classified as Likely Pathogenic. This variant disrupts the p.Cys102 amino acid residue in TNFRSF1A. Other variant(s) that disrupt this residue have been determined to be pathogenic (PMID: 22343913, 15228183, 24251727, 16707534). This suggests that this residue is clinically significant, and that variants that disrupt this residue are likely to be disease-causing. Advanced modeling of protein sequence and biophysical properties (such as structural, functional, and spatial information, amino acid conservation, physicochemical variation, residue mobility, and thermodynamic stability) performed at Invitae indicates that this missense variant is expected to disrupt TNFRSF1A protein function. This variant has not been reported in the literature in individuals with TNFRSF1A-related conditions. This variant is not present in population databases (ExAC no frequency). This sequence change replaces cysteine with phenylalanine at codon 102 of the TNFRSF1A protein (p.Cys102Phe). The cysteine residue is highly conserved and there is a large physicochemical difference between cysteine and phenylalanine.

Literature cited by the submitters: PubMed 22343913; PubMed 15228183; PubMed 24251727; PubMed 16707534.